The following is an entry in ClinVar:

NM_001159699.2(FHL1):c.725A>G (p.Asn242Ser)

Gene: FHL1 (four and a half LIM domains 1; plus strand). Cytogenetic location: Xq26.3.
Variant type: single nucleotide variant.
Coding change: c.725A>G on transcript NM_001159699.2 (MANE Select); coding-DNA position 725, A replaced by G.
Protein change: p.Asn242Ser; replaces asparagine 242 with serine.
Molecular consequence: missense variant. On other transcripts: non-coding transcript variant (1), intron variant (2).
Genome position (GRCh38, 1-based): chrX:136,208,630, A>G. VCF-style: chrX-136208630-A-G. GRCh37 (hg19) VCF-style: chrX-135290789-A-G.
Other names: c.677A>G, p.Asn226Ser (NM_001159700.2, NM_001159702.3, NM_001159704.1 and 8 more transcripts); c.764A>G, p.Asn255Ser (NM_001159701.2); c.501+669A>G (NM_001159703.2); c.549+669A>G (NM_001330659.2); short protein forms N242S, N255S, N226S.
Identifiers: ClinVar variation 961997 (VCV000961997.9), dbSNP rs2073916017, ClinGen allele CA414609096.
Genomic context (GRCh38, chrX:136,208,630, plus strand): 5'-AGTATTACTGCGTGGATTGCTACAAGAACTTTGTGGCCAAGAAGTGTGCTGGATGCAAGA[A>G]CCCCATCACTGGTAGGCTAAAGAGTCCTTGCTAAGTCTGCCAGGCTAGGTTTTGCGCATG-3'
Protein context (NP_001153171.1, residues 232-252): FVAKKCAGCK[Asn242Ser]PITGFGKGSS

ClinVar aggregate classification (germline): Uncertain significance (1 of 4 stars; one submission).

Conditions:
X-linked myopathy with postural muscle atrophy. Also called: FHL1-Related Emery-Dreifuss Muscular Dystrophy, X-Linked. Identifiers: Orphanet 178461, MedGen C2678055, MONDO:0010401, OMIM 300696.

Submission:

Labcorp Genetics (formerly Invitae), Labcorp
Classification: Uncertain significance for X-linked myopathy with postural muscle atrophy. Last evaluated: 2019-10-30. Review status: criteria provided, single submitter. Criteria: Invitae Variant Classification Sherloc (09022015). Collection method: clinical testing. Allele origin: germline.
Comment: In summary, the available evidence is currently insufficient to determine the role of this variant in disease. Therefore, it has been classified as a Variant of Uncertain Significance. Algorithms developed to predict the effect of missense changes on protein structure and function are either unavailable or do not agree on the potential impact of this missense change (SIFT: "Deleterious"; PolyPhen-2: "Benign"; Align-GVGD: "Class C0"). This variant has not been reported in the literature in individuals with FHL1-related conditions. This variant is not present in population databases (ExAC no frequency). This sequence change replaces asparagine with serine at codon 226 of the FHL1 protein (p.Asn226Ser). The asparagine residue is highly conserved and there is a small physicochemical difference between asparagine and serine.